The following is an entry in ClinVar:

ClinVar aggregate classification (germline): Pathogenic (1 of 4 stars; one submission).

Conditions:
Familial thoracic aortic aneurysm and aortic dissection (TAAD). Also called: Thoracic aortic aneurysms and dissections. Identifiers: Orphanet 91387, MedGen C4707243, MONDO:0019625.
Marfan syndrome (MFS). Also called: FBN1-Related Marfan Syndrome; Marfan syndrome type 1; Marfan's syndrome; Marfan syndrome, classic; MARFAN SYNDROME, TYPE I. Identifiers: Orphanet 284963, Orphanet 558, MedGen C0024796, MONDO:0007947, OMIM 154700.

Submission:

Labcorp Genetics (formerly Invitae), Labcorp
Classification: Pathogenic for Marfan syndrome; Familial thoracic aortic aneurysm and aortic dissection. Last evaluated: 2018-01-22. Review status: criteria provided, single submitter. Criteria: Invitae Variant Classification Sherloc (09022015). Collection method: clinical testing. Allele origin: germline.
Comment: For these reasons, this variant has been classified as Pathogenic. Loss-of-function variants in FBN1 are known to be pathogenic (PMID: 17657824, 19293843). This variant has not been reported in the literature in individuals with FBN1-related disease. This variant is not present in population databases (ExAC no frequency). This sequence change creates a premature translational stop signal (p.Gln1145Serfs*14) in the FBN1 gene. It is expected to result in an absent or disrupted protein product.

Literature cited by the submitters: PubMed 17657824; PubMed 19293843.

NM_000138.5(FBN1):c.3432dup (p.Gln1145fs)

Gene: FBN1 (fibrillin 1; minus strand). Cytogenetic location: 15q21.1.
Variant type: Duplication.
Coding change: c.3432dup on transcript NM_000138.5 (MANE Select); coding-DNA position 3432, one base duplicated (T; older notation c.3432dupT).
Protein change: p.Gln1145fs; shifts the reading frame from glutamine 1145.
Molecular consequence: frameshift variant.
Genome position (GRCh38, 1-based): chr15:48,487,343, A duplicated on the plus strand (T on the coding strand, the reverse complement: FBN1 is on the minus strand). VCF-style (leftmost placement, unchanged base first): chr15-48487342-G-GA. GRCh37 (hg19) VCF-style: chr15-48779539-G-GA.
Other names: c.3432dupT (NM_000138.4); short protein forms Q1145fs.
Identifiers: ClinVar variation 573107 (VCV000573107.6), dbSNP rs1566909483, ClinGen allele CA891843840.